The following is an entry in ClinVar:

ClinVar aggregate classification (germline): Uncertain significance (1 of 4 stars; one submission).

Allele frequency attached by ClinVar (database versions not stated): gnomAD 0.00001; TOPMed 0.00002.
gnomAD v4.1: 1 of 1,613,470 alleles (0.000062%); highest among the groups gnomAD compares: African/African-American, 0.0013%; no homozygotes.

Submission:

Ambry Genetics
Classification: Uncertain significance. Last evaluated: 2021-12-29. Review status: criteria provided, single submitter. Criteria: Ambry Variant Classification Scheme 2023. Collection method: clinical testing. Allele origin: germline.
Comment: The p.F64L variant (also known as c.190T>C), located in coding exon 1 of the BUB3 gene, results from a T to C substitution at nucleotide position 190. The phenylalanine at codon 64 is replaced by leucine, an amino acid with highly similar properties. This amino acid position is conserved. In addition, this alteration is predicted to be deleterious by in silico analysis. Since supporting evidence is limited at this time, the clinical significance of this alteration remains unclear.

NM_004725.4(BUB3):c.190T>C (p.Phe64Leu)

Gene: BUB3 (BUB3 mitotic checkpoint protein; plus strand). Cytogenetic location: 10q26.13.
Variant type: single nucleotide variant.
Coding change: c.190T>C on transcript NM_004725.4 (MANE Select); coding-DNA position 190, T replaced by C.
Protein change: p.Phe64Leu; replaces phenylalanine 64 with leucine.
Molecular consequence: missense variant.
Genome position (GRCh38, 1-based): chr10:123,155,107, T>C. VCF-style: chr10-123155107-T-C. GRCh37 (hg19) VCF-style: chr10-124914623-T-C.
Other names: c.190T>C, p.Phe64Leu (NM_001007793.3); short protein forms F64L.
Identifiers: ClinVar variation 1782489 (VCV001782489.2), dbSNP rs1364410740, ClinGen allele CA378625126.